The following is an entry in ClinVar:

NM_000466.3(PEX1):c.3181G>A (p.Gly1061Arg)

Genes: GATAD1 (GATA zinc finger domain containing 1; plus strand), PEX1 (peroxisomal biogenesis factor 1; minus strand). Cytogenetic location: 7q21.2.
Variant type: single nucleotide variant.
Coding change: c.3181G>A on transcript NM_000466.3 (MANE Select); coding-DNA position 3181, G replaced by A.
Protein change: p.Gly1061Arg; replaces glycine 1061 with arginine.
Molecular consequence: missense variant.
Genome position (GRCh38, 1-based): chr7:92,492,979, C>T on the plus strand (G>A on the coding strand, the complement: PEX1 is on the minus strand). VCF-style: chr7-92492979-C-T. GRCh37 (hg19) VCF-style: chr7-92122293-C-T.
Other names: c.3010G>A, p.Gly1004Arg (NM_001282677.2); c.2557G>A, p.Gly853Arg (NM_001282678.2); short protein forms G1004R, G1061R, G853R.
Identifiers: ClinVar variation 935972 (VCV000935972.13), dbSNP rs1230486358, ClinGen allele CA368166078.
Genomic context (GRCh38, chr7:92,492,979, plus strand): 5'-TAAAATGTCATAACAACTTCCTCATATAACTTGCCTGGAGTCCACTCGAGAGCAGCATTC[C>T]ATGTAAGGCCTCCAATTGGGCATTGTAAAGTAAAGCTTTCAGATCAGCTCCAGTAAAGGA-3'
Protein context (NP_000457.1, residues 1051-1071): LYNAQLEALH[Gly1061Arg]MLLSSGLQDG

ClinVar aggregate classification (germline): Uncertain significance. Review status: criteria provided, multiple submitters, no conflicts (2 of 4 stars). 5 submissions from 5 submitters: Uncertain significance (4). 1 of the submissions does not count toward it. Last evaluated 2024-12-23.

Conditions:
Inborn genetic diseases. Identifiers: MedGen C0950123, MeSH D030342.
Zellweger spectrum disorders (ZS). Also called: Zellweger Spectrum Disorder (ZSD); Zellweger Spectrum Disorder; Zellweger Spectrum; Zellweger syndrome. Identifiers: Orphanet 912, MedGen C0043459, MONDO:0019609.

Allele frequency attached by ClinVar (database versions not stated): gnomAD exomes below 0.00001.
gnomAD v4.1: 5 of 1,613,826 alleles (0.00031%); highest among the groups gnomAD compares: Middle Eastern, 0.016%; no homozygotes.

Submissions (5):

Ambry Genetics
Classification: Uncertain significance for Inborn genetic diseases. Last evaluated: 2024-12-23. Review status: criteria provided, single submitter. Criteria: Ambry Variant Classification Scheme 2023. Collection method: clinical testing. Allele origin: germline.

GeneDx
Classification: Uncertain significance. Last evaluated: 2024-12-09. Review status: criteria provided, single submitter. Criteria: GeneDx Variant Classification Process June 2021. Collection method: clinical testing. Allele origin: germline. Affected: yes.
Comment: Not observed at significant frequency in large population cohorts (gnomAD); In silico analysis supports that this missense variant has a deleterious effect on protein structure/function; Has not been previously published as pathogenic or benign to our knowledge

Labcorp Genetics (formerly Invitae), Labcorp
Classification: Uncertain significance for Zellweger spectrum disorders. Last evaluated: 2022-08-23. Review status: criteria provided, single submitter. Criteria: Invitae Variant Classification Sherloc (09022015). Collection method: clinical testing. Allele origin: germline.
Comment: Advanced modeling of protein sequence and biophysical properties (such as structural, functional, and spatial information, amino acid conservation, physicochemical variation, residue mobility, and thermodynamic stability) performed at Invitae indicates that this missense variant is not expected to disrupt PEX1 protein function. In summary, the available evidence is currently insufficient to determine the role of this variant in disease. Therefore, it has been classified as a Variant of Uncertain Significance. This sequence change replaces glycine, which is neutral and non-polar, with arginine, which is basic and polar, at codon 1061 of the PEX1 protein (p.Gly1061Arg). This variant is present in population databases (no rsID available, gnomAD 0.003%). This variant has not been reported in the literature in individuals affected with PEX1-related conditions. ClinVar contains an entry for this variant (Variation ID: 935972).

Blueprint Genetics
Classification: Uncertain significance. Last evaluated: 2021-09-06. Review status: criteria provided, single submitter. Criteria: ACMG Guidelines, 2015. Collection method: clinical testing. Allele origin: germline.

Natera, Inc.
Classification: Uncertain significance for Zellweger syndrome. Last evaluated: 2018-09-11. Review status: no assertion criteria provided. Collection method: clinical testing. Allele origin: germline. Not counted in ClinVar's aggregate classification.